The following is an entry in ClinVar:

NM_000432.4(MYL2):c.409C>T (p.Gln137Ter)

Gene: MYL2 (myosin light chain 2; minus strand). Cytogenetic location: 12q24.11.
Variant type: single nucleotide variant.
Coding change: c.409C>T on transcript NM_000432.4 (MANE Select); coding-DNA position 409, C replaced by T.
Protein change: p.Gln137Ter; replaces glutamine 137 with a stop codon.
Molecular consequence: nonsense.
Genome position (GRCh38, 1-based): chr12:110,911,169, G>A on the plus strand (C>T on the coding strand, the complement: MYL2 is on the minus strand). VCF-style: chr12-110911169-G-A. GRCh37 (hg19) VCF-style: chr12-111348973-G-A.
Other names: c.367C>T, p.Gln123Ter (NM_001406745.1, NM_001406746.1); c.352C>T, p.Gln118Ter (NM_001406916.1); short protein forms Q118*, Q123*, Q137*.
Identifiers: ClinVar variation 1915074 (VCV001915074.5), dbSNP rs1305020660, ClinGen allele CA386697052.

ClinVar aggregate classification (germline): Uncertain significance (1 of 4 stars; one submission).

Conditions:
Hypertrophic cardiomyopathy 10. Also called: CARDIOMYOPATHY, HYPERTROPHIC, MID-LEFT VENTRICULAR CHAMBER TYPE, 2; MYL2-Related Familial Hypertrophic Cardiomyopathy. Identifiers: MedGen C1834460, MONDO:0012112, OMIM 608758.

Allele frequency attached by ClinVar (database versions not stated): gnomAD exomes 0.00001.
gnomAD v4.1: 3 of 1,609,506 alleles (0.00019%); highest among the groups gnomAD compares: Admixed American, 0.005%; no homozygotes.

Submission:

Labcorp Genetics (formerly Invitae), Labcorp
Classification: Uncertain significance for Hypertrophic cardiomyopathy 10. Last evaluated: 2025-10-14. Review status: criteria provided, single submitter. Criteria: Invitae Variant Classification Sherloc (09022015). Collection method: clinical testing. Allele origin: germline.
Comment: This sequence change creates a premature translational stop signal (p.Gln137*) in the MYL2 gene. While this is not anticipated to result in nonsense mediated decay, it is expected to disrupt the last 30 amino acid(s) of the MYL2 protein. This variant is present in population databases (no rsID available, gnomAD 0.006%). This variant has not been reported in the literature in individuals affected with MYL2-related conditions. ClinVar contains an entry for this variant (Variation ID: 1915074). In summary, the available evidence is currently insufficient to determine the role of this variant in disease. Therefore, it has been classified as a Variant of Uncertain Significance.